The following is an entry in ClinVar:

ClinVar aggregate classification (germline): Likely pathogenic. Review status: criteria provided, multiple submitters, no conflicts (2 of 4 stars). 2 submissions from 2 submitters: Likely pathogenic (2). Last evaluated 2024-05-13.

Conditions:
Cone-rod dystrophy 13 (CORD13). Identifiers: Orphanet 1872, MedGen C2750720, MONDO:0011987, OMIM 608194.
Leber congenital amaurosis 6 (LCA6). Identifiers: Orphanet 65, MedGen C1854260, MONDO:0013446, OMIM 613826.
RPGRIP1-related disorder. Also called: RPGRIP1-related condition.

Allele frequency attached by ClinVar (database versions not stated): gnomAD exomes below 0.00001 and 0.00001; ExAC 0.00002; gnomAD 0.00004; 1000 Genomes Project 30x 0.00016; 1000 Genomes Project 0.00020.

Submissions (2):

Blueprint Genetics
Classification: Likely pathogenic for RPGRIP1-related disorders. Last evaluated: 2024-05-13. Review status: criteria provided, single submitter. Criteria: ACMG Guidelines, 2015. Collection method: clinical testing. Allele origin: germline. Affected: yes. Observed: 2 variant alleles.

Labcorp Genetics (formerly Invitae), Labcorp
Classification: Likely pathogenic for Leber congenital amaurosis 6; Cone-rod dystrophy 13. Last evaluated: 2023-11-05. Review status: criteria provided, single submitter. Criteria: Invitae Variant Classification Sherloc (09022015). Collection method: clinical testing. Allele origin: germline.
Comment: This sequence change affects a donor splice site in intron 2 of the RPGRIP1 gene. It is expected to disrupt RNA splicing. Variants that disrupt the donor or acceptor splice site typically lead to a loss of protein function (PMID: 16199547), and loss-of-function variants in RPGRIP1 are known to be pathogenic (PMID: 11528500, 23105016). This variant is present in population databases (rs546692544, gnomAD 0.01%). This variant has not been reported in the literature in individuals affected with RPGRIP1-related conditions. ClinVar contains an entry for this variant (Variation ID: 1509729). Algorithms developed to predict the effect of sequence changes on RNA splicing suggest that this variant may disrupt the consensus splice site. In summary, the currently available evidence indicates that the variant is pathogenic, but additional data are needed to prove that conclusively. Therefore, this variant has been classified as Likely Pathogenic.

Literature cited by the submitters: PubMed 16199547 (cited by Labcorp Genetics (formerly Invitae), Labcorp); PubMed 11528500 (cited by Labcorp Genetics (formerly Invitae), Labcorp); PubMed 23105016 (cited by Labcorp Genetics (formerly Invitae), Labcorp).

NM_020366.4(RPGRIP1):c.218+1G>T

Gene: RPGRIP1 (RPGR interacting protein 1; plus strand). Cytogenetic location: 14q11.2.
Variant type: single nucleotide variant.
Coding change: c.218+1G>T on transcript NM_020366.4 (MANE Select); the canonical splice donor site of the intron after coding-DNA position 218, G replaced by T.
Molecular consequence: splice donor variant.
Genome position (GRCh38, 1-based): chr14:21,294,810, G>T. VCF-style: chr14-21294810-G-T. GRCh37 (hg19) VCF-style: chr14-21762969-G-T.
Identifiers: ClinVar variation 1509729 (VCV001509729.7), dbSNP rs546692544, ClinGen allele CA7088593.
Genomic context (GRCh38, chr14:21,294,810, plus strand): 5'-TCGCGAAGATCACATGTTGGTGAAGGAGCTTTCTTGGAAGCAACAGGATGAGATCAAAAG[G>T]TACTTAGAGTTCTCCTTAAATTTTTTTTTTTTTTTTTTTTTTTTTTTTTTTTGAGACGGA-3'